The following is an entry in ClinVar:

ClinVar aggregate classification (germline): Pathogenic (1 of 4 stars; one submission).

Conditions:
Androgen resistance syndrome (AIS). Also called: Androgen insensitivity syndrome; Androgen insensitivity syndrome due to coactivator deficiency; DHTR DEFICIENCY; ANDROGEN RECEPTOR DEFICIENCY; DIHYDROTESTOSTERONE RECEPTOR DEFICIENCY; Androgen insensitivity, complete. Identifiers: Orphanet 754, Orphanet 99429, MedGen C0039585, MONDO:0019154, OMIM 300068. Disease mechanism: loss of function.
Kennedy disease (SMAX1). Also called: Spinal and Bulbar Muscular Atrophy; SPINAL AND BULBAR MUSCULAR ATROPHY, X-LINKED 1; KENNEDY SPINAL AND BULBAR MUSCULAR ATROPHY. Identifiers: Orphanet 481, MedGen C1839259, MONDO:0010735, OMIM 313200.

Submission:

Labcorp Genetics (formerly Invitae), Labcorp
Classification: Pathogenic for Kennedy disease; Androgen resistance syndrome. Last evaluated: 2025-06-12. Review status: criteria provided, single submitter. Criteria: Invitae Variant Classification Sherloc (09022015). Collection method: clinical testing. Allele origin: germline.
Comment: This sequence change creates a premature translational stop signal (p.Trp719*) in the AR gene. It is expected to result in an absent or disrupted protein product. Loss-of-function variants in AR are known to be pathogenic (PMID: 19463997). This variant is not present in population databases (gnomAD no frequency). This premature translational stop signal has been observed in individual(s) with AR-related conditions (PMID: 27989800, 32229106). ClinVar contains an entry for this variant (Variation ID: 2138586). For these reasons, this variant has been classified as Pathogenic.

Literature cited by the submitters: PubMed 19463997; PubMed 27989800; PubMed 32229106.

NM_000044.6(AR):c.2156G>A (p.Trp719Ter)

Gene: AR (androgen receptor; plus strand). Cytogenetic location: Xq12.
Variant type: single nucleotide variant.
Coding change: c.2156G>A on transcript NM_000044.6 (MANE Select); coding-DNA position 2156, G replaced by A.
Protein change: p.Trp719Ter; replaces tryptophan 719 with a stop codon.
Molecular consequence: nonsense.
Genome position (GRCh38, 1-based): chrX:67,711,672, G>A. VCF-style: chrX-67711672-G-A. GRCh37 (hg19) VCF-style: chrX-66931514-G-A.
Other names: c.560G>A, p.Trp187Ter (NM_001011645.3); short protein forms W719*, W187*.
Identifiers: ClinVar variation 2138586 (VCV002138586.4), dbSNP rs2147525286, ClinGen allele CA413423537.